The following is an entry in ClinVar:

ClinVar aggregate classification (germline): Likely benign (1 of 4 stars; one submission).

Allele frequency attached by ClinVar (database versions not stated): TOPMed below 0.00001; gnomAD 0.00001.
gnomAD v4.1: 1 of 1,611,358 alleles (0.000062%); highest among the groups gnomAD compares: Non-Finnish European, 0.000085%; no homozygotes.

Submission:

CeGaT Center for Human Genetics Tuebingen
Classification: Likely benign. Last evaluated: 2023-01-01. Review status: criteria provided, single submitter. Criteria: CeGaT Center For Human Genetics Tuebingen Variant Classification Criteria Version 2. Collection method: clinical testing. Allele origin: germline. Affected: yes. Observed: 1 variant allele.
Comment: SPG7: BP4, BP7

NM_003119.4(SPG7):c.597A>C (p.Gly199=)

Gene: SPG7 (SPG7 matrix AAA peptidase subunit, paraplegin; plus strand). Cytogenetic location: 16q24.3.
Variant type: single nucleotide variant.
Coding change: c.597A>C on transcript NM_003119.4 (MANE Select); coding-DNA position 597, A replaced by C.
Protein change: p.Gly199=; no amino-acid change (glycine 199 retained).
Molecular consequence: synonymous variant.
Genome position (GRCh38, 1-based): chr16:89,524,226, A>C. VCF-style: chr16-89524226-A-C. GRCh37 (hg19) VCF-style: chr16-89590634-A-C.
Other names: c.597A>C, p.Gly199= (NM_001363850.1, NM_199367.3).
Identifiers: ClinVar variation 2647106 (VCV002647106.24), dbSNP rs2058231844, ClinGen allele CA497376099.